The following is an entry in ClinVar:

NM_000701.8(ATP1A1):c.2896G>A (p.Ala966Thr)

Genes: ATP1A1 (ATPase Na+/K+ transporting subunit alpha 1; plus strand), ATP1A1-AS1 (ATP1A1 antisense RNA 1; minus strand). Cytogenetic location: 1p13.1.
Variant type: single nucleotide variant.
Coding change: c.2896G>A on transcript NM_000701.8 (MANE Select); coding-DNA position 2896, G replaced by A.
Protein change: p.Ala966Thr; replaces alanine 966 with threonine.
Molecular consequence: missense variant.
Genome position (GRCh38, 1-based): chr1:116,401,600, G>A. VCF-style: chr1-116401600-G-A. GRCh37 (hg19) VCF-style: chr1-116944222-G-A.
Other names: c.2896G>A, p.Ala966Thr (NM_001160233.2); c.2803G>A, p.Ala935Thr (NM_001160234.2); short protein forms A935T, A966T.
Identifiers: ClinVar variation 3651060 (VCV003651060.2).
Genomic context (GRCh38, chr1:116,401,600, plus strand): 5'-TACTTTGATTTTAGGAACAAGATCTTGATATTTGGCCTCTTTGAAGAGACAGCCCTGGCT[G>A]CTTTCCTTTCCTACTGCCCTGGAATGGGTGTTGCTCTTAGGATGTATCCCCTCAAGTAAG-3'
Protein context (NP_000692.2, residues 956-976): FGLFEETALA[Ala966Thr]FLSYCPGMGV

ClinVar aggregate classification (germline): Uncertain significance (1 of 4 stars; one submission).

Submission:

Labcorp Genetics (formerly Invitae), Labcorp
Classification: Uncertain significance. Last evaluated: 2024-04-25. Review status: criteria provided, single submitter. Criteria: Invitae Variant Classification Sherloc (09022015). Collection method: clinical testing. Allele origin: germline.
Comment: This sequence change replaces alanine, which is neutral and non-polar, with threonine, which is neutral and polar, at codon 966 of the ATP1A1 protein (p.Ala966Thr). This variant is not present in population databases (gnomAD no frequency). This variant has not been reported in the literature in individuals affected with ATP1A1-related conditions. Advanced modeling of protein sequence and biophysical properties (such as structural, functional, and spatial information, amino acid conservation, physicochemical variation, residue mobility, and thermodynamic stability) performed at Invitae indicates that this missense variant is not expected to disrupt ATP1A1 protein function with a negative predictive value of 80%. In summary, the available evidence is currently insufficient to determine the role of this variant in disease. Therefore, it has been classified as a Variant of Uncertain Significance.